The following is an entry in ClinVar:

NM_015102.5(NPHP4):c.2784_2785delinsAA (p.Gly929Arg)

Gene: NPHP4 (nephrocystin 4; minus strand). Cytogenetic location: 1p36.31.
Variant type: Indel.
Coding change: c.2784_2785delinsAA on transcript NM_015102.5 (MANE Select); coding-DNA positions 2784 to 2785, GG replaced by AA.
Protein change: p.Gly929Arg; replaces glycine 929 with arginine.
Molecular consequence: missense variant. On other transcripts: non-coding transcript variant (1).
Genome position (GRCh38, 1-based): chr1:5,877,125-5,877,126, CC replaced by TT on the plus strand (GG replaced by AA on the coding strand, the reverse complement: NPHP4 is on the minus strand). VCF-style: chr1-5877125-CC-TT. GRCh37 (hg19) VCF-style: chr1-5937185-CC-TT.
Other names: c.1245_1246delinsAA, p.Gly416Arg (NM_001291593.2); c.1248_1249delinsAA, p.Gly417Arg (NM_001291594.2); short protein forms G416R, G417R, G929R.
Identifiers: ClinVar variation 4731042 (VCV004731042.1).

ClinVar aggregate classification (germline): Uncertain significance (1 of 4 stars; one submission).

Conditions:
Nephronophthisis. Also called: Juvenile Nephronophthisis. Identifiers: Orphanet 655, MedGen C0687120, MONDO:0019005, HP:0000090.

Submission:

Labcorp Genetics (formerly Invitae), Labcorp
Classification: Uncertain significance for Nephronophthisis. Last evaluated: 2025-11-18. Review status: criteria provided, single submitter. Criteria: Invitae Variant Classification Sherloc (09022015). Collection method: clinical testing. Allele origin: germline.
Comment: This sequence change replaces glycine, which is neutral and non-polar, with arginine, which is basic and polar, at codon 929 of the NPHP4 protein (p.Gly929Arg). Information on the frequency of this variant in the gnomAD database is not available, as this variant may be reported differently in the database. This variant has not been reported in the literature in individuals affected with NPHP4-related conditions. Experimental studies and prediction algorithms are not available or were not evaluated, and the functional significance of this variant is currently unknown. In summary, the available evidence is currently insufficient to determine the role of this variant in disease. Therefore, it has been classified as a Variant of Uncertain Significance.